The following is an entry in ClinVar:

NM_001367561.1(DOCK7):c.5493+1G>T

Gene: DOCK7 (dedicator of cytokinesis 7; minus strand). Cytogenetic location: 1p31.3.
Variant type: single nucleotide variant.
Coding change: c.5493+1G>T on transcript NM_001367561.1 (MANE Select); the canonical splice donor site of the intron after coding-DNA position 5493, G replaced by T.
Molecular consequence: splice donor variant.
Genome position (GRCh38, 1-based): chr1:62,488,933, C>A on the plus strand (G>T on the coding strand, the complement: DOCK7 is on the minus strand). VCF-style: chr1-62488933-C-A. GRCh37 (hg19) VCF-style: chr1-62954604-C-A.
Other names: c.5373+1G>T (NM_001272001.2, NM_001272000.2); c.5400+1G>T (NM_033407.4); c.5466+1G>T (NM_001271999.2, NM_001330614.2).
Identifiers: ClinVar variation 2776920 (VCV002776920.3), dbSNP rs2523959929, ClinGen allele CA340608586.

ClinVar aggregate classification (germline): Likely pathogenic (1 of 4 stars; one submission).

Conditions:
Developmental and epileptic encephalopathy, 23 (DEE23). Also called: Epileptic encephalopathy, early infantile, 23. Identifiers: Orphanet 411986, MedGen C4014492, MONDO:0014371, OMIM 615859.

Submission:

Labcorp Genetics (formerly Invitae), Labcorp
Classification: Likely pathogenic for Developmental and epileptic encephalopathy, 23. Last evaluated: 2023-05-27. Review status: criteria provided, single submitter. Criteria: Invitae Variant Classification Sherloc (09022015). Collection method: clinical testing. Allele origin: germline.
Comment: This variant has not been reported in the literature in individuals affected with DOCK7-related conditions. This sequence change affects a donor splice site in intron 42 of the DOCK7 gene. It is expected to disrupt RNA splicing. Variants that disrupt the donor or acceptor splice site typically lead to a loss of protein function (PMID: 16199547), and loss-of-function variants in DOCK7 are known to be pathogenic (PMID: 24814191). This variant is not present in population databases (gnomAD no frequency). Algorithms developed to predict the effect of sequence changes on RNA splicing suggest that this variant may disrupt the consensus splice site. In summary, the currently available evidence indicates that the variant is pathogenic, but additional data are needed to prove that conclusively. Therefore, this variant has been classified as Likely Pathogenic.

Literature cited by the submitters: PubMed 16199547; PubMed 24814191.